The following is an entry in ClinVar:

NM_016938.5(EFEMP2):c.47C>G (p.Ala16Gly)

Gene: EFEMP2 (EGF containing fibulin extracellular matrix protein 2; minus strand). Cytogenetic location: 11q13.1.
Variant type: single nucleotide variant.
Coding change: c.47C>G on transcript NM_016938.5 (MANE Select); coding-DNA position 47, C replaced by G.
Protein change: p.Ala16Gly; replaces alanine 16 with glycine.
Molecular consequence: missense variant. On other transcripts: non-coding transcript variant (1).
Genome position (GRCh38, 1-based): chr11:65,872,308, G>C on the plus strand (C>G on the coding strand, the complement: EFEMP2 is on the minus strand). VCF-style: chr11-65872308-G-C. GRCh37 (hg19) VCF-style: chr11-65639779-G-C.
Other names: short protein forms A16G.
Identifiers: ClinVar variation 3226931 (VCV003226931.1), dbSNP rs1859978591, ClinGen allele CA381311516.

ClinVar aggregate classification (germline): Uncertain significance (1 of 4 stars; one submission).

Conditions:
Cardiovascular phenotype. Identifiers: MedGen CN230736.

Allele frequency attached by ClinVar (database versions not stated): gnomAD exomes below 0.00001.
gnomAD v4.1: 2 of 1,551,706 alleles (0.00013%); highest among the groups gnomAD compares: Non-Finnish European, 0.00017%; no homozygotes.

Submission:

Ambry Genetics
Classification: Uncertain significance for Cardiovascular phenotype. Last evaluated: 2023-10-26. Review status: criteria provided, single submitter. Criteria: Ambry Variant Classification Scheme 2023. Collection method: clinical testing. Allele origin: germline.
Comment: The p.A16G variant (also known as c.47C>G), located in coding exon 1 of the EFEMP2 gene, results from a C to G substitution at nucleotide position 47. The alanine at codon 16 is replaced by glycine, an amino acid with similar properties. This amino acid position is conserved. In addition, this alteration is predicted to be tolerated by in silico analysis. Since supporting evidence is limited at this time, the clinical significance of this alteration remains unclear.